The following is an entry in ClinVar:

NM_004793.4(LONP1):c.1443G>A (p.Ala481=)

Gene: LONP1 (lon peptidase 1, mitochondrial; minus strand). Cytogenetic location: 19p13.3.
Variant type: single nucleotide variant.
Coding change: c.1443G>A on transcript NM_004793.4 (MANE Select); coding-DNA position 1443, G replaced by A.
Protein change: p.Ala481=; no amino-acid change (alanine 481 retained).
Molecular consequence: synonymous variant. On other transcripts: non-coding transcript variant (1).
Genome position (GRCh38, 1-based): chr19:5,700,852, C>T on the plus strand (G>A on the coding strand, the complement: LONP1 is on the minus strand). VCF-style: chr19-5700852-C-T. GRCh37 (hg19) VCF-style: chr19-5700863-C-T.
Other names: c.1251G>A, p.Ala417= (NM_001276479.2); c.855G>A, p.Ala285= (NM_001276480.1).
Identifiers: ClinVar variation 779370 (VCV000779370.30), dbSNP rs146759309, ClinGen allele CA9114684.
Genomic context (GRCh38, chr19:5,700,852, plus strand): 5'-GATGCGTTTCTTGACGTCCTCCATGCCGTAGTGGTCTTCCTCCAGCACTGCCTGTGCCCG[C>T]GCCAGGTCCAGGTTCTCGTTGCTGTACTTGCCCCAAGGGATGGACGTGAGCCAGTCTAGG-3'
Protein context (NP_004784.2, residues 471-491): GKYSNENLDL[Ala481=]RAQAVLEEDH

ClinVar aggregate classification (germline): Likely benign. Review status: criteria provided, multiple submitters, no conflicts (2 of 4 stars). 3 submissions from 3 submitters: Likely benign (3). Last evaluated 2025-12-23.

Allele frequency attached by ClinVar (database versions not stated): 1000 Genomes Project 0.00040; 1000 Genomes Project 30x 0.00047; gnomAD exomes 0.00062 and 0.00108; ExAC 0.00067; gnomAD 0.00075 and 0.00078; TOPMed 0.00083; ESP Exome Variant Server 0.00154.
gnomAD v4.1: 1,672 of 1,614,204 alleles (0.1%); highest among the groups gnomAD compares: Non-Finnish European, 0.13%; no homozygotes.

Submissions (3):

Labcorp Genetics (formerly Invitae), Labcorp
Classification: Likely benign. Last evaluated: 2025-12-23. Review status: criteria provided, single submitter. Criteria: Invitae Variant Classification Sherloc (09022015). Collection method: clinical testing. Allele origin: germline.

CeGaT Center for Human Genetics Tuebingen
Classification: Likely benign. Last evaluated: 2025-10-01. Review status: criteria provided, single submitter. Criteria: CeGaT Center For Human Genetics Tuebingen Variant Classification Criteria Version 2. Collection method: clinical testing. Allele origin: germline. Affected: yes. Observed: 3 variant alleles.
Comment: LONP1: BP4, BP7

Blueprint Genetics
Classification: Likely benign. Last evaluated: 2024-11-07. Review status: criteria provided, single submitter. Criteria: ACMG Guidelines, 2015. Collection method: clinical testing. Allele origin: germline.